The following is an entry in ClinVar:

ClinVar aggregate classification (germline): Likely pathogenic (1 of 4 stars; one submission).

Submission:

Labcorp Genetics (formerly Invitae), Labcorp
Classification: Likely pathogenic. Last evaluated: 2025-08-18. Review status: criteria provided, single submitter. Criteria: Invitae Variant Classification Sherloc (09022015). Collection method: clinical testing. Allele origin: germline.
Comment: This sequence change affects a donor splice site in intron 10 of the ABCG8 gene. It is expected to disrupt RNA splicing. Variants that disrupt the donor or acceptor splice site typically lead to a loss of protein function (PMID: 16199547), and loss-of-function variants in ABCG8 are known to be pathogenic (PMID: 11452359, 15375183, 16029460). This variant is not present in population databases (gnomAD no frequency). This variant has not been reported in the literature in individuals affected with ABCG8-related conditions. ClinVar contains an entry for this variant (Variation ID: 2137035). Algorithms developed to predict the effect of sequence changes on RNA splicing suggest that this variant may disrupt the consensus splice site. In summary, the currently available evidence indicates that the variant is pathogenic, but additional data are needed to prove that conclusively. Therefore, this variant has been classified as Likely Pathogenic.

Literature cited by the submitters: PubMed 16199547; PubMed 11452359; PubMed 15375183; PubMed 16029460.

NM_022437.3(ABCG8):c.1488+2T>G

Gene: ABCG8 (ATP binding cassette subfamily G member 8; plus strand). Cytogenetic location: 2p21.
Variant type: single nucleotide variant.
Coding change: c.1488+2T>G on transcript NM_022437.3 (MANE Select); the canonical splice donor site of the intron after coding-DNA position 1488, T replaced by G.
Molecular consequence: splice donor variant.
Genome position (GRCh38, 1-based): chr2:43,874,485, T>G. VCF-style: chr2-43874485-T-G. GRCh37 (hg19) VCF-style: chr2-44101624-T-G.
Other names: c.1485+2T>G (NM_001357321.2).
Identifiers: ClinVar variation 2137035 (VCV002137035.4), dbSNP rs2466280534, ClinGen allele CA346670025.
Genomic context (GRCh38, chr2:43,874,485, plus strand): 5'-TGCTTTACTATGAACTGGAAGACGGGCTGTACACCACTGGTCCATATTTCTTTGCCAAGG[T>G]GACTGGGCAGGGTTGAGAGCAAGTGCCCCCCACCCACCAGGGTGGGGGTAAGTGTGGAGA-3'